The following is an entry in ClinVar:

NM_177438.3(DICER1):c.2293G>A (p.Asp765Asn)

Gene: DICER1 (dicer 1, ribonuclease III; minus strand). Cytogenetic location: 14q32.13.
Variant type: single nucleotide variant.
Coding change: c.2293G>A on transcript NM_177438.3 (MANE Select); coding-DNA position 2293, G replaced by A.
Protein change: p.Asp765Asn; replaces aspartic acid 765 with asparagine.
Molecular consequence: missense variant.
Genome position (GRCh38, 1-based): chr14:95,108,467, C>T on the plus strand (G>A on the coding strand, the complement: DICER1 is on the minus strand). VCF-style: chr14-95108467-C-T. GRCh37 (hg19) VCF-style: chr14-95574804-C-T.
Other names: c.2293G>A, p.Asp765Asn (NM_001195573.1, NM_001271282.3, NM_001291628.2 and 1 more transcripts); short protein forms D765N.
Identifiers: ClinVar variation 648225 (VCV000648225.12), dbSNP rs1595382448, ClinGen allele CA390882361.

ClinVar aggregate classification (germline): Uncertain significance. Review status: criteria provided, multiple submitters, no conflicts (2 of 4 stars). 3 submissions from 3 submitters: Uncertain significance (3). Last evaluated 2024-01-11.

Conditions:
Global developmental delay - lung cysts - overgrowth - Wilms tumor syndrome. Also called: GLOW Syndrome; GLOBAL DEVELOPMENTAL DELAY, LUNG CYSTS, OVERGROWTH, AND WILMS TUMOR. Identifiers: Orphanet 404476, MedGen C4748924, MONDO:0018445, OMIM 618272.
Hereditary cancer-predisposing syndrome. Also called: Hereditary Cancer Syndrome; Tumor predisposition; Neoplastic Syndromes, Hereditary; Hereditary neoplastic syndrome. Identifiers: Orphanet 140162, MedGen C0027672, MeSH D009386, MONDO:0015356.
DICER1-related tumor predisposition. Also called: DICER1-related pleuropulmonary blastoma cancer predisposition syndrome; DICER1 syndrome. Identifiers: Orphanet 284343, MedGen C3839822, MONDO:0100216.

Allele frequency attached by ClinVar (database versions not stated): gnomAD 0.00001.
gnomAD v4.1: 3 of 1,613,950 alleles (0.00019%); highest among the groups gnomAD compares: East Asian, 0.0045%; no homozygotes.

Submissions (3):

Baylor Genetics
Classification: Uncertain significance for Global developmental delay - lung cysts - overgrowth - Wilms tumor syndrome. Last evaluated: 2024-01-11. Review status: criteria provided, single submitter. Criteria: ACMG Guidelines, 2015. Collection method: clinical testing. Allele origin: unknown.

Ambry Genetics
Classification: Uncertain significance for Hereditary cancer-predisposing syndrome. Last evaluated: 2023-05-05. Review status: criteria provided, single submitter. Criteria: Ambry Variant Classification Scheme 2023. Collection method: clinical testing. Allele origin: germline.
Comment: The p.D765N variant (also known as c.2293G>A), located in coding exon 14 of the DICER1 gene, results from a G to A substitution at nucleotide position 2293. The aspartic acid at codon 765 is replaced by asparagine, an amino acid with highly similar properties. This amino acid position is conserved. In addition, this alteration is predicted to be tolerated by in silico analysis. Since supporting evidence is limited at this time, the clinical significance of this alteration remains unclear.

Labcorp Genetics (formerly Invitae), Labcorp
Classification: Uncertain significance for DICER1-related tumor predisposition. Last evaluated: 2023-04-24. Review status: criteria provided, single submitter. Criteria: Invitae Variant Classification Sherloc (09022015). Collection method: clinical testing. Allele origin: germline.
Comment: This sequence change replaces aspartic acid, which is acidic and polar, with asparagine, which is neutral and polar, at codon 765 of the DICER1 protein (p.Asp765Asn). This variant is not present in population databases (gnomAD no frequency). This variant has not been reported in the literature in individuals affected with DICER1-related conditions. ClinVar contains an entry for this variant (Variation ID: 648225). In summary, the available evidence is currently insufficient to determine the role of this variant in disease. Therefore, it has been classified as a Variant of Uncertain Significance. Advanced modeling of protein sequence and biophysical properties (such as structural, functional, and spatial information, amino acid conservation, physicochemical variation, residue mobility, and thermodynamic stability) performed at Invitae indicates that this missense variant is not expected to disrupt DICER1 protein function. Algorithms developed to predict the effect of sequence changes on RNA splicing suggest that this variant may create or strengthen a splice site.